The following is an entry in ClinVar:

ClinVar aggregate classification (germline): Uncertain significance (1 of 4 stars; one submission).

Conditions:
PLXNA2-related disorder. Also called: PLXNA2-related condition.

Submission:

PreventionGenetics, part of Exact Sciences
Classification: Uncertain significance for PLXNA2-related condition. Last evaluated: 2026-07-07. Review status: criteria provided, single submitter. Criteria: ACMG Guidelines, 2015. Collection method: clinical testing. Allele origin: germline.
Comment: The PLXNA2 c.1559G>T variant is predicted to result in the amino acid substitution p.Cys520Phe. To our knowledge, this variant has not been reported in the literature or in a large population database (gnomAD), indicating this variant is rare. At this time, the clinical significance of this variant is uncertain due to the absence of conclusive functional and genetic evidence.

NM_025179.4(PLXNA2):c.1559G>T (p.Cys520Phe)

Gene: PLXNA2 (plexin A2; minus strand). Cytogenetic location: 1q32.2.
Variant type: single nucleotide variant.
Coding change: c.1559G>T on transcript NM_025179.4 (MANE Select); coding-DNA position 1559, G replaced by T.
Protein change: p.Cys520Phe; replaces cysteine 520 with phenylalanine.
Molecular consequence: missense variant.
Genome position (GRCh38, 1-based): chr1:208,103,195, C>A on the plus strand (G>T on the coding strand, the complement: PLXNA2 is on the minus strand). VCF-style: chr1-208103195-C-A. GRCh37 (hg19) VCF-style: chr1-208276540-C-A.
Other names: short protein forms C520F.
Identifiers: ClinVar variation 4995728 (VCV004995728.1).